The following is an entry in ClinVar:

ClinVar aggregate classification (germline): Likely pathogenic. Review status: criteria provided, multiple submitters, no conflicts (2 of 4 stars). 2 submissions from 2 submitters: Likely pathogenic (2). Last evaluated 2025-04-04.

Conditions:
Mitochondrial complex I deficiency, nuclear type 22. Also called: Mitochondrial complex 1 deficiency, nuclear type 22. Identifiers: MedGen C4748796, MONDO:0032626, OMIM 618243.

Allele frequency attached by ClinVar (database versions not stated): TOPMed 0.00001; gnomAD 0.00001; gnomAD exomes 0.00001.

Submissions (2):

GeneDx
Classification: Likely pathogenic. Last evaluated: 2025-04-04. Review status: criteria provided, single submitter. Criteria: GeneDx Variant Classification Process June 2021. Collection method: clinical testing. Allele origin: germline.
Comment: In silico analysis supports that this missense variant has a deleterious effect on protein structure/function; Not observed at significant frequency in large population cohorts (gnomAD); This variant is associated with the following publications: (PMID: 38703036)

Service de Génétique Médicale, Centre Hospitalier Universitaire de Nice-Université Côte d'Azur
Classification: Likely pathogenic for Mitochondrial complex I deficiency, nuclear type 22. Last evaluated: 2024-02-27. Review status: criteria provided, single submitter. Criteria: ACMG Guidelines, 2015. Collection method: clinical testing. Allele origin: germline. Affected: yes.

Literature cited by the submitters: PubMed 38703036 (cited by Service de Génétique Médicale, Centre Hospitalier Universitaire de Nice-Université Côte d'Azur).

NM_004544.4(NDUFA10):c.415C>T (p.Arg139Cys)

Gene: NDUFA10 (NADH:ubiquinone oxidoreductase subunit A10; minus strand). Cytogenetic location: 2q37.3.
Variant type: single nucleotide variant.
Coding change: c.415C>T on transcript NM_004544.4 (MANE Select); coding-DNA position 415, C replaced by T.
Protein change: p.Arg139Cys; replaces arginine 139 with cysteine.
Molecular consequence: missense variant. On other transcripts: non-coding transcript variant (4).
Genome position (GRCh38, 1-based): chr2:240,021,242, G>A on the plus strand (C>T on the coding strand, the complement: NDUFA10 is on the minus strand). VCF-style: chr2-240021242-G-A. GRCh37 (hg19) VCF-style: chr2-240960659-G-A.
Other names: c.415C>T, p.Arg139Cys (NM_001322019.2, NM_001322020.2, NM_001410987.1); short protein forms R139C.
Identifiers: ClinVar variation 2577650 (VCV002577650.3), dbSNP rs1230530438, ClinGen allele CA351273903.